The following is an entry in ClinVar:

NM_012308.3(KDM2A):c.2800G>C (p.Asp934His)

Gene: KDM2A (lysine demethylase 2A; plus strand). Cytogenetic location: 11q13.2.
Variant type: single nucleotide variant.
Coding change: c.2800G>C on transcript NM_012308.3 (MANE Select); coding-DNA position 2800, G replaced by C.
Protein change: p.Asp934His; replaces aspartic acid 934 with histidine.
Molecular consequence: missense variant. On other transcripts: non-coding transcript variant (1).
Genome position (GRCh38, 1-based): chr11:67,252,725, G>C. VCF-style: chr11-67252725-G-C. GRCh37 (hg19) VCF-style: chr11-67020196-G-C.
Other names: c.1483G>C, p.Asp495His (NM_001256405.2); short protein forms D495H, D934H.
Identifiers: ClinVar variation 5010052 (VCV005010052.1).
Genomic context (GRCh38, chr11:67,252,725, plus strand): 5'-AAGGCGAGTTCTCTTCCCTTCTATCACAGGTGCTGCGACAAGAGACTTTGGACAAAAATT[G>C]ACTTGAGTAGGTGTAAGGCCATTGTGCCCCAGGCCCTCAGTGGCATCATCAAGAGGCAGC-3'
Protein context (NP_036440.1, residues 924-944): CCDKRLWTKI[Asp934His]LSRCKAIVPQ

ClinVar aggregate classification (germline): Uncertain significance (1 of 4 stars; one submission).

Submission:

GeneDx
Classification: Uncertain significance. Last evaluated: 2026-03-05. Review status: criteria provided, single submitter. Criteria: GeneDx Variant Classification Process June 2021. Collection method: clinical testing. Allele origin: germline.
Comment: Not observed at significant frequency in large population cohorts (gnomAD); In silico analysis supports that this missense variant has a deleterious effect on protein structure/function; Has not been previously published as pathogenic or benign to our knowledge